The following is an entry in ClinVar:

NM_001164665.2(KIAA1549):c.2568del (p.Phe857fs)

Gene: KIAA1549 (KIAA1549; minus strand). Cytogenetic location: 7q34.
Variant type: Deletion.
Coding change: c.2568del on transcript NM_001164665.2 (MANE Select); coding-DNA position 2568, one base deleted (C; older notation c.2568delC).
Protein change: p.Phe857fs; shifts the reading frame from phenylalanine 857.
Molecular consequence: frameshift variant.
Genome position (GRCh38, 1-based): chr7:138,917,058, G deleted on the plus strand (C on the coding strand, the reverse complement: KIAA1549 is on the minus strand); the first of 5 consecutive G bases (chr7:138,917,058-138,917,062); deleting any one gives the same sequence. VCF-style (leftmost placement, unchanged base first): chr7-138917057-AG-A. GRCh37 (hg19) VCF-style: chr7-138601803-AG-A.
Other names: c.2568del, p.Phe857fs (NM_020910.3); short protein forms F857fs.
Identifiers: ClinVar variation 956838 (VCV000956838.7), dbSNP rs1812346717, ClinGen allele CA1139660280.
Genomic context (GRCh38, chr7:138,917,057, plus strand): 5'-GTGGCACCTCTGTGGGTGTGAGTGATGGGCCCACGACGGTCAGCTCTGTGGGCAGAGGGA[AG>A]GGGGTTGCTTCAGAAACAAACGAGGATCCTGATGGCAGGTACGCGTCAGTGATCAACACC-3'

ClinVar aggregate classification (germline): Uncertain significance (1 of 4 stars; one submission).

Submission:

Labcorp Genetics (formerly Invitae), Labcorp
Classification: Uncertain significance. Last evaluated: 2019-07-29. Review status: criteria provided, single submitter. Criteria: Invitae Variant Classification Sherloc (09022015). Collection method: clinical testing. Allele origin: germline.
Comment: In summary, the available evidence is currently insufficient to determine the role of this variant in disease. Therefore, it has been classified as a Variant of Uncertain Significance. The current clinical and genetic evidence is not sufficient to establish whether loss-of-function variants in KIAA1549 cause disease. This variant has not been reported in the literature in individuals with KIAA1549-related conditions. This variant is not present in population databases (ExAC no frequency). This sequence change creates a premature translational stop signal (p.Phe857Serfs*7) in the KIAA1549 gene. It is expected to result in an absent or disrupted protein product.